The following is an entry in ClinVar:

ClinVar aggregate classification (germline): Likely pathogenic (1 of 4 stars; one submission).

Conditions:
Autosomal recessive limb-girdle muscular dystrophy type 2J (LGMDR10). Also called: Limb-girdle muscular dystrophy, type 2J; MUSCULAR DYSTROPHY, LIMB-GIRDLE, AUTOSOMAL RECESSIVE 10. Identifiers: Orphanet 140922, MedGen C1837342, MONDO:0012127, OMIM 608807.
Dilated cardiomyopathy 1G (CMD1G). Identifiers: Orphanet 154, MedGen C1858763, MONDO:0011400, OMIM 604145.

Submission:

Labcorp Genetics (formerly Invitae), Labcorp
Classification: Likely pathogenic for Dilated cardiomyopathy 1G; Autosomal recessive limb-girdle muscular dystrophy type 2J. Last evaluated: 2025-08-26. Review status: criteria provided, single submitter. Criteria: Invitae Variant Classification Sherloc (09022015). Collection method: clinical testing. Allele origin: germline.
Comment: This sequence change creates a premature translational stop signal (p.Ala34753Glyfs*15) in the TTN gene. While this is not anticipated to result in nonsense mediated decay, it is expected to create a truncated TTN protein. This variant is not present in population databases (gnomAD no frequency). This variant has not been reported in the literature in individuals affected with TTN-related conditions. This variant is located in the M band of TTN (PMID: 25589632). Truncating variants in this region have been previously reported in individuals affected with autosomal dominant or autosomal recessive myopathy and muscular dystrophy (PMID: 18948003, 23975875, 24395473). Truncating variants in this region have also been identified in individuals affected with autosomal dominant dilated cardiomyopathy and/or cardio-related conditions (PMID: 27869827, 32964742, internal data). In summary, the currently available evidence indicates that the variant is pathogenic, but additional data are needed to prove that conclusively. Therefore, this variant has been classified as Likely Pathogenic.

Literature cited by the submitters: PubMed 25589632; PubMed 18948003; PubMed 23975875; PubMed 24395473; PubMed 27869827; PubMed 32964742.

NM_001267550.2(TTN):c.104257dup (p.Ala34753fs)

Genes: TTN-AS1 (TTN antisense RNA 1; plus strand), TTN (titin; minus strand). Cytogenetic location: 2q31.2.
Variant type: Duplication.
Coding change: c.104257dup on transcript NM_001267550.2 (MANE Select); coding-DNA position 104257, one base duplicated (G; older notation c.104257dupG).
Protein change: p.Ala34753fs; shifts the reading frame from alanine 34753.
Molecular consequence: frameshift variant.
Genome position (GRCh38, 1-based): chr2:178,532,358, C duplicated on the plus strand (G on the coding strand, the reverse complement: TTN is on the minus strand); the first of 2 consecutive C bases (chr2:178,532,358-178,532,359); duplicating either gives the same sequence. VCF-style (leftmost placement, unchanged base first): chr2-178532357-G-GC. GRCh37 (hg19) VCF-style: chr2-179397084-G-GC.
Other names: c.99334dup, p.Ala33112fs (NM_001256850.1); c.77062dup, p.Ala25688fs (NM_003319.4); c.96553dup, p.Ala32185fs (NM_133378.4); c.77437dup, p.Ala25813fs (NM_133432.3); c.77638dup, p.Ala25880fs (NM_133437.4); short protein forms A25813fs, A25880fs, A25688fs, A32185fs, A33112fs, A34753fs.
Identifiers: ClinVar variation 4785967 (VCV004785967.1).